The following is an entry in ClinVar:

ClinVar aggregate classification (germline): Pathogenic (1 of 4 stars; one submission).

Conditions:
Chédiak-Higashi syndrome (CHS). Also called: Chediak-Higashi Syndrome. Identifiers: Orphanet 167, MedGen C0007965, MONDO:0008963, OMIM 214500.

Submission:

Labcorp Genetics (formerly Invitae), Labcorp
Classification: Pathogenic for Chédiak-Higashi syndrome. Last evaluated: 2025-03-27. Review status: criteria provided, single submitter. Criteria: Invitae Variant Classification Sherloc (09022015). Collection method: clinical testing. Allele origin: germline.
Comment: This sequence change affects a donor splice site in intron 37 of the LYST gene. It is expected to disrupt RNA splicing. Variants that disrupt the donor or acceptor splice site typically lead to a loss of protein function (PMID: 16199547), and loss-of-function variants in LYST are known to be pathogenic (PMID: 9215679, 11857544). This variant is not present in population databases (gnomAD no frequency). Disruption of this splice site has been observed in individual(s) with Chediak-Higashi syndrome (PMID: 27669550). Algorithms developed to predict the effect of sequence changes on RNA splicing suggest that this variant may disrupt the consensus splice site. For these reasons, this variant has been classified as Pathogenic.

Literature cited by the submitters: PubMed 16199547; PubMed 9215679; PubMed 11857544; PubMed 27669550.

NM_000081.4(LYST):c.9106+1G>T

Gene: LYST (lysosomal trafficking regulator; minus strand). Cytogenetic location: 1q42.3.
Variant type: single nucleotide variant.
Coding change: c.9106+1G>T on transcript NM_000081.4 (MANE Select); the canonical splice donor site of the intron after coding-DNA position 9106, G replaced by T.
Molecular consequence: splice donor variant.
Genome position (GRCh38, 1-based): chr1:235,729,595, C>A on the plus strand (G>T on the coding strand, the complement: LYST is on the minus strand). VCF-style: chr1-235729595-C-A. GRCh37 (hg19) VCF-style: chr1-235892895-C-A.
Other names: c.9106+1G>T (NM_001301365.1).
Identifiers: ClinVar variation 3720286 (VCV003720286.2).